The following is an entry in ClinVar:

NM_000065.5(C6):c.955G>A (p.Val319Met)

Gene: C6 (complement C6; minus strand). Cytogenetic location: 5p13.1.
Variant type: single nucleotide variant.
Coding change: c.955G>A on transcript NM_000065.5 (MANE Select); coding-DNA position 955, G replaced by A.
Protein change: p.Val319Met; replaces valine 319 with methionine.
Molecular consequence: missense variant.
Genome position (GRCh38, 1-based): chr5:41,176,688, C>T on the plus strand (G>A on the coding strand, the complement: C6 is on the minus strand). VCF-style: chr5-41176688-C-T. GRCh37 (hg19) VCF-style: chr5-41176790-C-T.
Other names: c.955G>A, p.Val319Met (NM_001115131.4); c.955G>A (NM_000065.2); short protein forms V319M.
Identifiers: ClinVar variation 636397 (VCV000636397.8), dbSNP rs139735513, ClinGen allele CA3252598.

ClinVar aggregate classification (germline): Uncertain significance. Review status: criteria provided, multiple submitters, no conflicts (2 of 4 stars). 4 submissions from 4 submitters: Uncertain significance (4). Last evaluated 2025-06-07.

Conditions:
Inborn genetic diseases. Identifiers: MedGen C0950123, MeSH D030342.
Complement component 6 deficiency (C6D). Also called: C6 DEFICIENCY. Identifiers: MedGen C2676232, MONDO:0012908, OMIM 612446.

Allele frequency attached by ClinVar (database versions not stated): ExAC 0.00018; gnomAD exomes 0.00020 and 0.00039; ESP Exome Variant Server 0.00023; gnomAD 0.00027; TOPMed 0.00031; 1000 Genomes Project 0.00040; 1000 Genomes Project 30x 0.00047.
gnomAD v4.1: 623 of 1,611,842 alleles (0.039%); highest among the groups gnomAD compares: Non-Finnish European, 0.047%; no homozygotes.

Submissions (4):

Ambry Genetics
Classification: Uncertain significance for Inborn genetic diseases. Last evaluated: 2025-06-07. Review status: criteria provided, single submitter. Criteria: Ambry Variant Classification Scheme 2023. Collection method: clinical testing. Allele origin: germline.

Blueprint Genetics
Classification: Uncertain significance. Last evaluated: 2024-10-04. Review status: criteria provided, single submitter. Criteria: ACMG Guidelines, 2015. Collection method: clinical testing. Allele origin: germline.

Fulgent Genetics
Classification: Uncertain significance for Complement component 6 deficiency. Last evaluated: 2024-04-18. Review status: criteria provided, single submitter. Criteria: ACMG Guidelines, 2015. Collection method: clinical testing. Allele origin: germline.

Labcorp Genetics (formerly Invitae), Labcorp
Classification: Uncertain significance. Last evaluated: 2022-10-18. Review status: criteria provided, single submitter. Criteria: Invitae Variant Classification Sherloc (09022015). Collection method: clinical testing. Allele origin: germline.
Comment: This sequence change replaces valine, which is neutral and non-polar, with methionine, which is neutral and non-polar, at codon 319 of the C6 protein (p.Val319Met). This variant is present in population databases (rs139735513, gnomAD 0.04%). This variant has not been reported in the literature in individuals affected with C6-related conditions. ClinVar contains an entry for this variant (Variation ID: 636397). Algorithms developed to predict the effect of missense changes on protein structure and function are either unavailable or do not agree on the potential impact of this missense change (SIFT: "Deleterious"; PolyPhen-2: "Benign"; Align-GVGD: "Class C0"). In summary, the available evidence is currently insufficient to determine the role of this variant in disease. Therefore, it has been classified as a Variant of Uncertain Significance.